The following is an entry in ClinVar:

ClinVar aggregate classification (germline): Uncertain significance (1 of 4 stars; one submission).

Allele frequency attached by ClinVar (database versions not stated): gnomAD exomes below 0.00001.

Submission:

Labcorp Genetics (formerly Invitae), Labcorp
Classification: Uncertain significance. Last evaluated: 2023-08-02. Review status: criteria provided, single submitter. Criteria: Invitae Variant Classification Sherloc (09022015). Collection method: clinical testing. Allele origin: germline.
Comment: This variant has not been reported in the literature in individuals affected with VCAN-related conditions. In summary, the available evidence is currently insufficient to determine the role of this variant in disease. Therefore, it has been classified as a Variant of Uncertain Significance. An algorithm developed to predict the effect of missense changes on protein structure and function (PolyPhen-2) suggests that this variant is likely to be tolerated. This variant is not present in population databases (gnomAD no frequency). This sequence change replaces threonine, which is neutral and polar, with serine, which is neutral and polar, at codon 1055 of the VCAN protein (p.Thr1055Ser).

NM_004385.5(VCAN):c.3163A>T (p.Thr1055Ser)

Gene: VCAN (versican; plus strand). Cytogenetic location: 5q14.3.
Variant type: single nucleotide variant.
Coding change: c.3163A>T on transcript NM_004385.5 (MANE Select); coding-DNA position 3163, A replaced by T.
Protein change: p.Thr1055Ser; replaces threonine 1055 with serine.
Molecular consequence: missense variant. On other transcripts: intron variant (2).
Genome position (GRCh38, 1-based): chr5:83,521,469, A>T. VCF-style: chr5-83521469-A-T. GRCh37 (hg19) VCF-style: chr5-82817288-A-T.
Other names: c.3163A>T, p.Thr1055Ser (NM_001164098.2); c.1042+9073A>T (NM_001164097.2, NM_001126336.3); short protein forms T1055S.
Identifiers: ClinVar variation 2749474 (VCV002749474.3), dbSNP rs2479056104, ClinGen allele CA360305470.